The following is an entry in ClinVar:

NM_001001433.3(STX16):c.803T>A (p.Leu268His)

Genes: STX16 (syntaxin 16; plus strand), STX16-NPEPL1 (STX16-NPEPL1 readthrough (NMD candidate); plus strand). Cytogenetic location: 20q13.32.
Variant type: single nucleotide variant.
Coding change: c.803T>A on transcript NM_001001433.3 (MANE Select); coding-DNA position 803, T replaced by A.
Protein change: p.Leu268His; replaces leucine 268 with histidine.
Molecular consequence: missense variant. On other transcripts: non-coding transcript variant (4).
Genome position (GRCh38, 1-based): chr20:58,673,641, T>A. VCF-style: chr20-58673641-T-A. GRCh37 (hg19) VCF-style: chr20-57248697-T-A.
Other names: c.752T>A, p.Leu251His (NM_001134773.3); c.644T>A, p.Leu215His (NM_001204868.2); c.740T>A, p.Leu247His (NM_003763.6); c.791T>A, p.Leu264His (NM_001134772.3); short protein forms L251H, L268H, L215H, L264H, L247H.
Identifiers: ClinVar variation 3587579 (VCV003587579.3).
Genomic context (GRCh38, chr20:58,673,641, plus strand): 5'-TTTTCCCAGTTGCTATTGTTGATTGTCTGTAACTGTCATTTATTACCTAGGGTACAGTCC[T>A]TGACAGAATTGACTATAACGTTGAACAGTCCTGTATCAAAACTGAAGATGGTTTGAAACA-3'
Protein context (NP_001001433.1, residues 258-278): GAMIVEQGTV[Leu268His]DRIDYNVEQS

ClinVar aggregate classification (germline): Uncertain significance. Review status: criteria provided, multiple submitters, no conflicts (2 of 4 stars). 2 submissions from 2 submitters: Uncertain significance (2). Last evaluated 2024-11-29.

Conditions:
Pseudohypoparathyroidism type 1B (PHP1B). Also called: PHP IB; Pseudohypoparathyroidism Ib (PHP-Ib); Pseudohypoparathyroidism Type IB. Identifiers: Orphanet 94089, MedGen C1864100, MONDO:0011301, OMIM 603233.

Submissions (2):

Labcorp Genetics (formerly Invitae), Labcorp
Classification: Uncertain significance. Last evaluated: 2024-11-29. Review status: criteria provided, single submitter. Criteria: Invitae Variant Classification Sherloc (09022015). Collection method: clinical testing. Allele origin: germline.
Comment: This sequence change replaces leucine, which is neutral and non-polar, with histidine, which is basic and polar, at codon 268 of the STX16 protein (p.Leu268His). This variant is not present in population databases (gnomAD no frequency). This variant has not been reported in the literature in individuals affected with STX16-related conditions. Invitae Evidence Modeling of protein sequence and biophysical properties (such as structural, functional, and spatial information, amino acid conservation, physicochemical variation, residue mobility, and thermodynamic stability) indicates that this missense variant is expected to disrupt STX16 protein function with a positive predictive value of 80%. In summary, the available evidence is currently insufficient to determine the role of this variant in disease. Therefore, it has been classified as a Variant of Uncertain Significance.

Fulgent Genetics
Classification: Uncertain significance for Pseudohypoparathyroidism type 1B. Last evaluated: 2024-04-20. Review status: criteria provided, single submitter. Criteria: ACMG Guidelines, 2015. Collection method: clinical testing. Allele origin: germline.